The following is an entry in ClinVar:

NM_001103.4(ACTN2):c.1739A>G (p.Asn580Ser)

Gene: ACTN2 (actinin alpha 2; plus strand). Cytogenetic location: 1q43.
Variant type: single nucleotide variant.
Coding change: c.1739A>G on transcript NM_001103.4 (MANE Select); coding-DNA position 1739, A replaced by G.
Protein change: p.Asn580Ser; replaces asparagine 580 with serine.
Molecular consequence: missense variant.
Genome position (GRCh38, 1-based): chr1:236,751,552, A>G. VCF-style: chr1-236751552-A-G. GRCh37 (hg19) VCF-style: chr1-236914852-A-G.
Other names: c.1739A>G, p.Asn580Ser (NM_001278343.2); c.1115A>G, p.Asn372Ser (NM_001278344.2); c.989A>G, p.Asn330Ser (NM_001412150.1); short protein forms N330S, N580S, N372S.
Identifiers: ClinVar variation 1779136 (VCV001779136.5), dbSNP rs2527635897, ClinGen allele CA345385924.

ClinVar aggregate classification (germline): Uncertain significance. Review status: criteria provided, multiple submitters, no conflicts (2 of 4 stars). 2 submissions from 2 submitters: Uncertain significance (2). Last evaluated 2024-07-27.

Conditions:
Cardiovascular phenotype. Identifiers: MedGen CN230736.
Dilated cardiomyopathy 1AA (CMD1AA). Also called: CARDIOMYOPATHY, DILATED, 1AA, WITH OR WITHOUT LEFT VENTRICULAR NONCOMPACTION; CARDIOMYOPATHY, FAMILIAL HYPERTROPHIC, 23, WITH OR WITHOUT LEFT VENTRICULAR NONCOMPACTION; Cardiomyopathy, dilated, 1AA, with or without LVNC. Identifiers: Orphanet 154, MedGen C2677338, MONDO:0012808, OMIM 612158.
Primary familial hypertrophic cardiomyopathy (HCM). Identifiers: Orphanet 99739, MedGen C0949658, MeSH D024741, MONDO:0024573. Inheritance: Various modes of inheritance.

Allele frequency attached by ClinVar (database versions not stated): gnomAD exomes below 0.00001.
gnomAD v4.1: 1 of 1,614,116 alleles (0.000062%); highest among the groups gnomAD compares: South Asian, 0.0011%; no homozygotes.

Submissions (2):

Labcorp Genetics (formerly Invitae), Labcorp
Classification: Uncertain significance for Primary familial hypertrophic cardiomyopathy; Dilated cardiomyopathy 1AA. Last evaluated: 2024-07-27. Review status: criteria provided, single submitter. Criteria: Invitae Variant Classification Sherloc (09022015). Collection method: clinical testing. Allele origin: germline.
Comment: This sequence change replaces asparagine, which is neutral and polar, with serine, which is neutral and polar, at codon 580 of the ACTN2 protein (p.Asn580Ser). This variant is not present in population databases (gnomAD no frequency). This variant has not been reported in the literature in individuals affected with ACTN2-related conditions. ClinVar contains an entry for this variant (Variation ID: 1779136). Advanced modeling of protein sequence and biophysical properties (such as structural, functional, and spatial information, amino acid conservation, physicochemical variation, residue mobility, and thermodynamic stability) performed at Invitae indicates that this missense variant is not expected to disrupt ACTN2 protein function with a negative predictive value of 80%. In summary, the available evidence is currently insufficient to determine the role of this variant in disease. Therefore, it has been classified as a Variant of Uncertain Significance.

Ambry Genetics
Classification: Uncertain significance for Cardiovascular phenotype. Last evaluated: 2024-04-25. Review status: criteria provided, single submitter. Criteria: Ambry Variant Classification Scheme 2023. Collection method: clinical testing. Allele origin: germline.
Comment: The p.N580S variant (also known as c.1739A>G), located in coding exon 15 of the ACTN2 gene, results from an A to G substitution at nucleotide position 1739. The asparagine at codon 580 is replaced by serine, an amino acid with highly similar properties. This amino acid position is highly conserved in available vertebrate species. In addition, this alteration is predicted to be tolerated by in silico analysis. Since supporting evidence is limited at this time, the clinical significance of this alteration remains unclear.